The following is an entry in ClinVar:

NM_182914.3(SYNE2):c.18326C>T (p.Thr6109Ile)

Gene: SYNE2 (spectrin repeat containing nuclear envelope protein 2; plus strand). Cytogenetic location: 14q23.2.
Variant type: single nucleotide variant.
Coding change: c.18326C>T on transcript NM_182914.3 (MANE Select); coding-DNA position 18326, C replaced by T.
Protein change: p.Thr6109Ile; replaces threonine 6109 with isoleucine.
Molecular consequence: missense variant.
Genome position (GRCh38, 1-based): chr14:64,208,882, C>T. VCF-style: chr14-64208882-C-T. GRCh37 (hg19) VCF-style: chr14-64675600-C-T.
Other names: c.18326C>T, p.Thr6109Ile (NM_015180.6); c.18326C>T (NM_182914.2); short protein forms T6109I.
Identifiers: ClinVar variation 1478365 (VCV001478365.10), dbSNP rs1248550076, ClinGen allele CA389948812.

ClinVar aggregate classification (germline): Uncertain significance. Review status: criteria provided, multiple submitters, no conflicts (2 of 4 stars). 2 submissions from 2 submitters: Uncertain significance (2). Last evaluated 2021-07-04.

Conditions:
Emery-Dreifuss muscular dystrophy 5, autosomal dominant (EDMD5). Also called: EMERY-DREIFUSS MUSCULAR DYSTROPHY 5. Identifiers: Orphanet 261, MedGen C2751805, MONDO:0013072, OMIM 612999.

Allele frequency attached by ClinVar (database versions not stated): TOPMed below 0.00001; gnomAD 0.00001.
gnomAD v4.1: 1 of 1,614,090 alleles (0.000062%); highest among the groups gnomAD compares: Admixed American, 0.0017%; no homozygotes.

Submissions (2):

Labcorp Genetics (formerly Invitae), Labcorp
Classification: Uncertain significance for Emery-Dreifuss muscular dystrophy 5, autosomal dominant. Last evaluated: 2021-07-04. Review status: criteria provided, single submitter. Criteria: Invitae Variant Classification Sherloc (09022015). Collection method: clinical testing. Allele origin: germline.
Comment: This sequence change replaces threonine with isoleucine at codon 6109 of the SYNE2 protein (p.Thr6109Ile). The threonine residue is moderately conserved and there is a moderate physicochemical difference between threonine and isoleucine. This variant is not present in population databases (ExAC no frequency). This variant has not been reported in the literature in individuals affected with SYNE2-related conditions. Algorithms developed to predict the effect of missense changes on protein structure and function are either unavailable or do not agree on the potential impact of this missense change (SIFT: "Tolerated"; PolyPhen-2: "Probably Damaging"; Align-GVGD: "Class C0"). In summary, the available evidence is currently insufficient to determine the role of this variant in disease. Therefore, it has been classified as a Variant of Uncertain Significance.

Revvity Omics, Revvity
Classification: Uncertain significance for Emery-Dreifuss muscular dystrophy 5, autosomal dominant. Last evaluated: 2021-04-28. Review status: criteria provided, single submitter. Criteria: ACMG Guidelines, 2015. Collection method: clinical testing. Allele origin: germline.